The following is an entry in ClinVar:

NM_020436.5(SALL4):c.2977G>C (p.Gly993Arg)

Gene: SALL4 (spalt like transcription factor 4; minus strand). Cytogenetic location: 20q13.2.
Variant type: single nucleotide variant.
Coding change: c.2977G>C on transcript NM_020436.5 (MANE Select); coding-DNA position 2977, G replaced by C.
Protein change: p.Gly993Arg; replaces glycine 993 with arginine.
Molecular consequence: missense variant.
Genome position (GRCh38, 1-based): chr20:51,784,450, C>G on the plus strand (G>C on the coding strand, the complement: SALL4 is on the minus strand). VCF-style: chr20-51784450-C-G. GRCh37 (hg19) VCF-style: chr20-50400989-C-G.
Other names: c.1666G>C, p.Gly556Arg (NM_001318031.2); short protein forms G993R, G556R.
Identifiers: ClinVar variation 1373144 (VCV001373144.8), dbSNP rs138891224, ClinGen allele CA9911958.

ClinVar aggregate classification (germline): Conflicting classifications of pathogenicity. Review status: criteria provided, conflicting classifications (1 of 4 stars). 2 submissions from 2 submitters: Uncertain significance (1); Likely benign (1). Last evaluated 2025-09-04.

Conditions:
Oculootoradial syndrome (IVIC). Also called: RADIAL RAY DEFECTS, HEARING IMPAIRMENT, EXTERNAL OPHTHALMOPLEGIA, AND THROMBOCYTOPENIA; IVIC syndrome. Identifiers: Orphanet 2307, MedGen C1327918, MONDO:0007836, OMIM 147750.
Duane-radial ray syndrome (DRRS). Also called: Duane-Radial Ray Syndrome/Okihiro Syndrome; Duane-Radial Ray Syndrome (DRRS) / Okihiro Syndrome; DR SYNDROME; ACRORENOOCULAR SYNDROME; DUANE ANOMALY WITH RADIAL RAY ABNORMALITIES AND DEAFNESS; Okihiro Syndrome. Identifiers: Orphanet 93293, Orphanet 959, MedGen C1623209, MONDO:0011812, OMIM 607323. Disease mechanism: gain of function.

gnomAD v4.1: 77 of 1,614,074 alleles (0.0048%); highest among the groups gnomAD compares: East Asian, 0.018%; no homozygotes.

Submissions (2):

Labcorp Genetics (formerly Invitae), Labcorp
Classification: Uncertain significance for Duane-radial ray syndrome. Last evaluated: 2025-09-04. Review status: criteria provided, single submitter. Criteria: Invitae Variant Classification Sherloc (09022015). Collection method: clinical testing. Allele origin: germline.
Comment: This sequence change replaces glycine, which is neutral and non-polar, with arginine, which is basic and polar, at codon 993 of the SALL4 protein (p.Gly993Arg). This variant is present in population databases (rs138891224, gnomAD 0.03%). This variant has not been reported in the literature in individuals affected with SALL4-related conditions. ClinVar contains an entry for this variant (Variation ID: 1373144). An algorithm developed to predict the effect of missense changes on protein structure and function (PolyPhen-2) suggests that this variant is likely to be disruptive. In summary, the available evidence is currently insufficient to determine the role of this variant in disease. Therefore, it has been classified as a Variant of Uncertain Significance.

Fulgent Genetics
Classification: Likely benign for Oculootoradial syndrome; Duane-radial ray syndrome. Last evaluated: 2024-04-03. Review status: criteria provided, single submitter. Criteria: ACMG Guidelines, 2015. Collection method: clinical testing. Allele origin: germline.